The following is an entry in ClinVar:

ClinVar aggregate classification (germline): Conflicting classifications of pathogenicity. Review status: criteria provided, conflicting classifications (1 of 4 stars). 2 submissions from 2 submitters: Likely pathogenic (1); Uncertain significance (1). Last evaluated 2025-12-05.

Conditions:
Glycine encephalopathy 1 (GCE1). Identifiers: MedGen CN376801, MONDO:0958179, OMIM 605899.
Glycine encephalopathy. Also called: Non-ketotic hyperglycinemia; Nonketotic hyperglycinemia. Identifiers: Orphanet 407, MedGen C0751748, MONDO:0011612, HP:0008288.

Allele frequency attached by ClinVar (database versions not stated): TOPMed below 0.00001; gnomAD 0.00001.

Submissions (2):

Myriad Genetics, Inc.
Classification: Uncertain significance for Glycine encephalopathy 1. Last evaluated: 2025-12-05. Review status: criteria provided, single submitter. Criteria: Myriad Autosomal Dominant, Autosomal Recessive and X-Linked Classification Criteria (2023). Collection method: clinical testing. Allele origin: unknown.
Comment: NM_000170.2(GLDC):c.2441C>T(S814F) is a missense variant classified as a variant of uncertain significance in the context of glycine encephalopathy, GLDC-related. S814F has not been observed in cases with relevant disease. Relevant functional assessments of this variant are not available in the literature. S814F has been observed in referenced population frequency databases. In summary, there is insufficient evidence to classify NM_000170.2(GLDC):c.2441C>T(S814F) as pathogenic or benign. Please note: this variant was assessed in the context of healthy population screening.

Mendelics
Classification: Likely pathogenic for Glycine encephalopathy 1. Last evaluated: 2022-05-04. Review status: criteria provided, single submitter. Criteria: Mendelics Assertion Criteria 2019. Collection method: clinical testing. Allele origin: germline.

NM_000170.3(GLDC):c.2441C>T (p.Ser814Phe)

Gene: GLDC (glycine decarboxylase; minus strand). Cytogenetic location: 9p24.1.
Variant type: single nucleotide variant.
Coding change: c.2441C>T on transcript NM_000170.3 (MANE Select); coding-DNA position 2441, C replaced by T.
Protein change: p.Ser814Phe; replaces serine 814 with phenylalanine.
Molecular consequence: missense variant.
Genome position (GRCh38, 1-based): chr9:6,553,384, G>A on the plus strand (C>T on the coding strand, the complement: GLDC is on the minus strand). VCF-style: chr9-6553384-G-A. GRCh37 (hg19) VCF-style: chr9-6553384-G-A.
Other names: short protein forms S814F.
Identifiers: ClinVar variation 1685331 (VCV001685331.2), dbSNP rs763075374, ClinGen allele CA4980233.
Genomic context (GRCh38, chr9:6,553,384, plus strand): 5'-CGCCCCCACCCACCTGCACACCTGCACATACTCCCAGGCCTCACCTTGATATAAGCCCAG[G>A]AAATGGGCAAGATGGAACTGGAGCCCCATGGGGCCGCACTGACGGTTCCCACAGGACAGG-3'
Protein context (NP_000161.2, residues 804-824): PWGSSSILPI[Ser814Phe]WAYIKMMGGK